The following is an entry in ClinVar:

ClinVar aggregate classification (germline): Uncertain significance (1 of 4 stars; one submission).

gnomAD v4.1: 1 of 1,202,676 alleles (0.000083%); highest among the groups gnomAD compares: African/African-American, 0.0017%; no homozygotes.

Submission:

GeneDx
Classification: Uncertain significance. Last evaluated: 2022-12-28. Review status: criteria provided, single submitter. Criteria: GeneDx Variant Classification Process June 2021. Collection method: clinical testing. Allele origin: germline. Affected: yes.
Comment: Not observed at significant frequency in large population cohorts (gnomAD); In silico analysis supports that this missense variant has a deleterious effect on protein structure/function; Has not been previously published as pathogenic or benign to our knowledge

NM_001368397.1(FRMPD4):c.1455C>G (p.His485Gln)

Gene: FRMPD4 (FERM and PDZ domain containing 4; plus strand). Cytogenetic location: Xp22.2.
Variant type: single nucleotide variant.
Coding change: c.1455C>G on transcript NM_001368397.1 (MANE Select); coding-DNA position 1455, C replaced by G.
Protein change: p.His485Gln; replaces histidine 485 with glutamine.
Molecular consequence: missense variant.
Genome position (GRCh38, 1-based): chrX:12,707,636, C>G. VCF-style: chrX-12707636-C-G. GRCh37 (hg19) VCF-style: chrX-12725755-C-G.
Other names: c.1566C>G, p.His522Gln (NM_001368395.3, NM_001368398.3); c.1461C>G, p.His487Gln (NM_001368396.3); c.1446C>G, p.His482Gln (NM_001368399.3); c.1335C>G, p.His445Gln (NM_001368400.3); c.1431C>G, p.His477Gln (NM_001368401.1, NM_001368402.3); c.1455C>G, p.His485Gln (NM_014728.3); short protein forms H445Q, H477Q, H482Q, H485Q, H487Q, H522Q.
Identifiers: ClinVar variation 2507136 (VCV002507136.1), dbSNP rs752586467, ClinGen allele CA412009503.